The following is an entry in ClinVar:

NM_006015.6(ARID1A):c.4319C>T (p.Thr1440Ile)

Gene: ARID1A (AT-rich interaction domain 1A; plus strand). Cytogenetic location: 1p36.11.
Variant type: single nucleotide variant.
Coding change: c.4319C>T on transcript NM_006015.6 (MANE Select); coding-DNA position 4319, C replaced by T.
Protein change: p.Thr1440Ile; replaces threonine 1440 with isoleucine.
Molecular consequence: missense variant. On other transcripts: intron variant (1).
Genome position (GRCh38, 1-based): chr1:26,774,546, C>T. VCF-style: chr1-26774546-C-T. GRCh37 (hg19) VCF-style: chr1-27101037-C-T.
Other names: c.4102-434C>T (NM_139135.4); short protein forms T1440I.
Identifiers: ClinVar variation 2834856 (VCV002834856.3), dbSNP rs2521996077, ClinGen allele CA339174492.

ClinVar aggregate classification (germline): Uncertain significance (1 of 4 stars; one submission).

Allele frequency attached by ClinVar (database versions not stated): gnomAD exomes below 0.00001.
gnomAD v4.1: 1 of 1,614,206 alleles (0.000062%); highest among the groups gnomAD compares: Non-Finnish European, 0.000085%; no homozygotes.

Submission:

Labcorp Genetics (formerly Invitae), Labcorp
Classification: Uncertain significance. Last evaluated: 2023-02-05. Review status: criteria provided, single submitter. Criteria: Invitae Variant Classification Sherloc (09022015). Collection method: clinical testing. Allele origin: germline.
Comment: This sequence change replaces threonine, which is neutral and polar, with isoleucine, which is neutral and non-polar, at codon 1440 of the ARID1A protein (p.Thr1440Ile). This variant is not present in population databases (gnomAD no frequency). This variant has not been reported in the literature in individuals affected with ARID1A-related conditions. Advanced modeling of protein sequence and biophysical properties (such as structural, functional, and spatial information, amino acid conservation, physicochemical variation, residue mobility, and thermodynamic stability) performed at Invitae indicates that this missense variant is not expected to disrupt ARID1A protein function. In summary, the available evidence is currently insufficient to determine the role of this variant in disease. Therefore, it has been classified as a Variant of Uncertain Significance.